The following is an entry in ClinVar:

ClinVar aggregate classification (germline): Benign (1 of 4 stars; one submission).

Conditions:
MELAS syndrome (MELAS). Also called: Juvenile myopathy, encephalopathy, lactic acidosis, stroke. Identifiers: Orphanet 550, MedGen C0162671, MONDO:0010789, OMIM 540000.

Submission:

Wong Mito Lab, Molecular and Human Genetics, Baylor College of Medicine
Classification: Benign for MELAS syndrome. Last evaluated: 2019-07-12. Review status: criteria provided, single submitter. Criteria: Modified ACMG Guidelines (Unpublished). Collection method: clinical testing. Allele origin: germline.
Comment: The NC_012920.1:m.5775T>C variant in MT-TC gene is interpreted to be a Benign variant based on the modified ACMG guidelines (unpublished). This variant meets the following evidence codes reported in the guidelines: BS1, BS2, BP4

Literature cited by the submitters: PubMed 31965079.

NC_012920.1(MT-TC):m.5775T>C

Gene: MT-TC (mitochondrially encoded tRNA cysteine; minus strand).
Variant type: single nucleotide variant.
Genome position: chrM-5775-T-C.
Identifiers: ClinVar variation 689985 (VCV000689985.1), dbSNP rs1603220105, ClinGen allele CA913180424.